The following is an entry in ClinVar:

NM_001127511.3(APC):c.-113A>C

Gene: APC (APC regulator of Wnt signaling pathway; plus strand). Cytogenetic location: 5q22.2.
Variant type: single nucleotide variant.
Coding change: c.-113A>C on transcript NM_001127511.3; 113 bases upstream of the start codon, A replaced by C.
Molecular consequence: 5 prime UTR variant. On other transcripts: non-coding transcript variant (2).
Genome position (GRCh38, 1-based): chr5:112,707,605, A>C. VCF-style: chr5-112707605-A-C. GRCh37 (hg19) VCF-style: chr5-112043302-A-C.
Other names: c.-296A>C (NM_001354895.2, NM_001407447.1, NM_001407452.1 and 3 more transcripts); c.-113A>C (NM_001354897.2, NM_001354902.2, NM_001407446.1); c.-63A>C (NM_001407448.1, NM_001407450.1, NM_001407457.1 and 1 more transcripts); c.-87A>C (NM_001407453.1); c.-1331A>C (NM_001407470.1, NM_001407472.1).
Identifiers: ClinVar variation 1059523 (VCV001059523.9), dbSNP rs1052992527, ClinGen allele CA2499217396.
Genomic context (GRCh38, chr5:112,707,605, plus strand): 5'-AAGGGGGCGGGGTGTGGCCGCCGGAAGCCTAGCCGCTGCTCGGGGGGGACCTGCGGGCTC[A>C]GGCCCGGGAGCTGCGGACCGAGGTTGGCTCGATGCTGTTCCCAGGTACTGTTGTTGGCTG-3'

ClinVar aggregate classification (germline): Uncertain significance (1 of 4 stars; one submission).

Conditions:
Familial adenomatous polyposis 1 (FAP1). Also called: FAMILIAL ADENOMATOUS POLYPOSIS 1, ATTENUATED; POLYPOSIS, ADENOMATOUS INTESTINAL. Identifiers: MedGen C2713442, MONDO:0021056, OMIM 175100. Disease mechanism: loss of function.

gnomAD v4.1: 3 of 1,167,536 alleles (0.00026%); highest among the groups gnomAD compares: South Asian, 0.0027%; no homozygotes.

Submission:

Labcorp Genetics (formerly Invitae), Labcorp
Classification: Uncertain significance for Familial adenomatous polyposis 1. Last evaluated: 2025-08-09. Review status: criteria provided, single submitter. Criteria: Invitae Variant Classification Sherloc (09022015). Collection method: clinical testing. Allele origin: germline.
Comment: This variant occurs in a non-coding region of the APC gene. It does not change the encoded amino acid sequence of the APC protein. This variant is not present in population databases (gnomAD no frequency). This variant has not been reported in the literature in individuals affected with APC-related conditions. Experimental studies and prediction algorithms are not available or were not evaluated, and the functional significance of this variant is currently unknown. In summary, the available evidence is currently insufficient to determine the role of this variant in disease. Therefore, it has been classified as a Variant of Uncertain Significance.